The following is an entry in ClinVar:

NM_003000.3(SDHB):c.424-2A>G

Gene: SDHB (succinate dehydrogenase complex iron sulfur subunit B; minus strand). Cytogenetic location: 1p36.13.
Variant type: single nucleotide variant.
Coding change: c.424-2A>G on transcript NM_003000.3 (MANE Select); the canonical splice acceptor site of the intron before coding-DNA position 424, A replaced by G.
Molecular consequence: splice acceptor variant.
Genome position (GRCh38, 1-based): chr1:17,027,867, T>C on the plus strand (A>G on the coding strand, the complement: SDHB is on the minus strand). VCF-style: chr1-17027867-T-C. GRCh37 (hg19) VCF-style: chr1-17354362-T-C.
Other names: c.424-2A>G (NM_003000.2); c.370-2A>G (NM_001407361.1).
Identifiers: ClinVar variation 1066038 (VCV001066038.10), dbSNP rs2101521922, ClinGen allele CA338273533.
Genomic context (GRCh38, chr1:17,027,867, plus strand): 5'-TCCTTCTTCTTCAAATAAGGCTCAATGGATTTGTACTGTGCATAGAAGTTGCTCAAATCC[T>C]GTGGTTAAGAGGAAGAAGAAGAAGAAGAAGAAGAAAAGGATCAGATTCCATCATCACCTC-3'

ClinVar aggregate classification (germline): Conflicting classifications of pathogenicity. Review status: criteria provided, conflicting classifications (1 of 4 stars). 3 submissions from 3 submitters: Pathogenic (1); Likely pathogenic (1); Uncertain significance (1). Last evaluated 2026-05-04.

Conditions:
Pheochromocytoma. Also called: MAX-Related Hereditary Paraganglioma-Pheochromocytoma Syndrome. Identifiers: Orphanet 29072, MedGen C0031511, MONDO:0008233, OMIM 171300, HP:0002666.
Gastrointestinal stromal tumor. Also called: Gastrointestinal stromal tumor, somatic; Gastrointestinal stroma tumor. Identifiers: Orphanet 44890, MedGen C0238198, MeSH D046152, MONDO:0011719, OMIM 606764, HP:0100723.
Pheochromocytoma/paraganglioma syndrome 4. Also called: CAROTID BODY TUMORS AND MULTIPLE EXTRAADRENAL PHEOCHROMOCYTOMAS; SDHB-Related Hereditary Paraganglioma-Pheochromocytoma Syndrome (Paragangliomas 4); Paragangliomas 4; SDHB-Related Hereditary Paraganglioma-Pheochromocytoma Syndrome; PARAGANGLIOMA, FAMILIAL MALIGNANT; PARAGANGLIOMAS, HEREDITARY EXTRAADRENAL. Identifiers: Orphanet 29072, MedGen C1861848, MONDO:0007273, OMIM 115310.
Hereditary cancer-predisposing syndrome. Also called: Tumor predisposition; Neoplastic Syndromes, Hereditary; Hereditary neoplastic syndrome; Hereditary Cancer Syndrome. Identifiers: Orphanet 140162, MedGen C0027672, MeSH D009386, MONDO:0015356.

Submissions (3):

Ambry Genetics
Classification: Uncertain significance for Hereditary cancer-predisposing syndrome. Last evaluated: 2026-05-04. Review status: criteria provided, single submitter. Criteria: Ambry Variant Classification Scheme 2023. Collection method: clinical testing. Allele origin: germline.
Comment: The c.424-2A>G intronic variant results from an A to G substitution two nucleotides upstream from coding exon 5 in the SDHB gene. This nucleotide position is highly conserved in available vertebrate species. In silico splice site analysis predicts that this alteration will weaken the native splice acceptor site. RNA studies have demonstrated that this variant results in an incomplete splice defect; the clinical impact of this abnormal splicing is unknown at this time (Ambry internal data). Based on the available evidence, the clinical significance of this variant remains unclear.

Labcorp Genetics (formerly Invitae), Labcorp
Classification: Pathogenic for Gastrointestinal stromal tumor; Pheochromocytoma/paraganglioma syndrome 4; Pheochromocytoma. Last evaluated: 2022-07-26. Review status: criteria provided, single submitter. Criteria: Invitae Variant Classification Sherloc (09022015). Collection method: clinical testing. Allele origin: germline.
Comment: For these reasons, this variant has been classified as Pathogenic. Algorithms developed to predict the effect of sequence changes on RNA splicing suggest that this variant may disrupt the consensus splice site. ClinVar contains an entry for this variant (Variation ID: 1066038). Disruption of this splice site has been observed in individuals with clinical features of hereditary paraganglioma-pheochromocytoma (PGL-PCC) syndrome (PMID: 12618761; Invitae). This variant is not present in population databases (gnomAD no frequency). This sequence change affects an acceptor splice site in intron 4 of the SDHB gene. It is expected to disrupt RNA splicing. Variants that disrupt the donor or acceptor splice site typically lead to a loss of protein function (PMID: 16199547), and loss-of-function variants in SDHB are known to be pathogenic (PMID: 19454582, 19802898).

Revvity Omics, Revvity
Classification: Likely pathogenic. Last evaluated: 2021-09-06. Review status: criteria provided, single submitter. Criteria: ACMG Guidelines, 2015. Collection method: clinical testing. Allele origin: germline.

Literature cited by the submitters: PubMed 12618761 (cited by Labcorp Genetics (formerly Invitae), Labcorp); PubMed 16199547 (cited by Labcorp Genetics (formerly Invitae), Labcorp); PubMed 19454582 (cited by Labcorp Genetics (formerly Invitae), Labcorp); PubMed 19802898 (cited by Labcorp Genetics (formerly Invitae), Labcorp).